The following is an entry in ClinVar:

ClinVar aggregate classification (germline): Uncertain significance. Review status: criteria provided, multiple submitters, no conflicts (2 of 4 stars). 3 submissions from 3 submitters: Uncertain significance (2). 1 of the submissions does not count toward it. Last evaluated 2022-05-18.

Conditions:
Fanconi renotubular syndrome 3 (FRTS3). Identifiers: MedGen C3810100, MONDO:0014275, OMIM 615605.
EHHADH-related disorder. Also called: EHHADH-related condition.

Allele frequency attached by ClinVar (database versions not stated): gnomAD 0.00036 and 0.00041; ESP Exome Variant Server 0.00038; TOPMed 0.00043; gnomAD exomes 0.00063 and 0.00067; ExAC 0.00068; 1000 Genomes Project 0.00080.
gnomAD v4.1: 1,040 of 1,610,120 alleles (0.065%); highest among the groups gnomAD compares: South Asian, 0.22%; 1 homozygote.

Submissions (3):

Fulgent Genetics
Classification: Uncertain significance for Fanconi renotubular syndrome 3. Last evaluated: 2022-05-18. Review status: criteria provided, single submitter. Criteria: ACMG Guidelines, 2015. Collection method: clinical testing. Allele origin: unknown.

Eurofins Ntd Llc (ga)
Classification: Uncertain significance. Last evaluated: 2018-08-08. Review status: criteria provided, single submitter. Criteria: EGL ClinVar v180209 classification definitions. Collection method: clinical testing. Allele origin: germline. Observed: 3 variant alleles, 3 heterozygotes.

PreventionGenetics, part of Exact Sciences
Classification: Likely benign for EHHADH-related condition. Last evaluated: 2022-02-23. Review status: no assertion criteria provided. Collection method: clinical testing. Allele origin: germline. Not counted in ClinVar's aggregate classification.
Comment: This variant is classified as likely benign based on ACMG/AMP sequence variant interpretation guidelines (Richards et al. 2015 PMID: 25741868, with internal and published modifications).

NM_001966.4(EHHADH):c.1093T>G (p.Leu365Val)

Gene: EHHADH (enoyl-CoA hydratase and 3-hydroxyacyl CoA dehydrogenase; minus strand). Cytogenetic location: 3q27.2.
Variant type: single nucleotide variant.
Coding change: c.1093T>G on transcript NM_001966.4 (MANE Select); coding-DNA position 1093, T replaced by G.
Protein change: p.Leu365Val; replaces leucine 365 with valine.
Molecular consequence: missense variant.
Genome position (GRCh38, 1-based): chr3:185,193,305, A>C on the plus strand (T>G on the coding strand, the complement: EHHADH is on the minus strand). VCF-style: chr3-185193305-A-C. GRCh37 (hg19) VCF-style: chr3-184911093-A-C.
Other names: c.805T>G, p.Leu269Val (NM_001166415.2); c.1093T>G (NM_001966.3); short protein forms L365V, L269V.
Identifiers: ClinVar variation 595249 (VCV000595249.8), dbSNP rs140461295, ClinGen allele CA2739037.